The following is an entry in ClinVar:

ClinVar aggregate classification (germline): Conflicting classifications of pathogenicity. Review status: criteria provided, conflicting classifications (1 of 4 stars). 2 submissions from 2 submitters: Likely pathogenic (1); Uncertain significance (1). Last evaluated 2026-08-04.

Conditions:
Colorectal cancer, hereditary nonpolyposis, type 7. Identifiers: Orphanet 144, MedGen C1858380, MONDO:0013725, OMIM 614385.

Submissions (2):

Ambry Genetics
Classification: Likely pathogenic. Last evaluated: 2026-08-04. Review status: criteria provided, single submitter. Criteria: Ambry Variant Classification Scheme 2023. Collection method: clinical testing. Allele origin: germline.
Comment: The c.4090+2T>C intronic variant results from a T to C substitution two nucleotides after coding exon 10 in the MLH3 gene. This variant is considered to be rare based on population cohorts in the Genome Aggregation Database (gnomAD). This nucleotide position is highly conserved in available vertebrate species. In silico splice site analysis predicts that this alteration will weaken the native splice donor site. RNA studies have demonstrated that this variant results in abnormal splicing in the set of samples tested (Ambry internal data). Variants that disrupt the canonical splice site are expected to cause aberrant splicing, resulting in an abnormal protein or a transcript that is subject to nonsense-mediated mRNA decay. As such, this variant is classified as likely pathogenic.

Labcorp Genetics (formerly Invitae), Labcorp
Classification: Uncertain significance for Colorectal cancer, hereditary nonpolyposis, type 7. Last evaluated: 2019-09-12. Review status: criteria provided, single submitter. Criteria: Invitae Variant Classification Sherloc (09022015). Collection method: clinical testing. Allele origin: germline.
Comment: The current clinical and genetic evidence is not sufficient to establish whether loss-of-function variants in MLH3 cause disease. In summary, the available evidence is currently insufficient to determine the role of this variant in disease. Therefore, it has been classified as a Variant of Uncertain Significance. Algorithms developed to predict the effect of sequence changes on RNA splicing suggest that this variant may disrupt the consensus splice site, but this prediction has not been confirmed by published transcriptional studies. This variant has not been reported in the literature in individuals with MLH3-related conditions. This variant is not present in population databases (ExAC no frequency). This sequence change affects a donor splice site in intron 11 of the MLH3 gene. It is expected to disrupt RNA splicing and likely results in an absent or disrupted protein product.

NM_001040108.2(MLH3):c.4090+2T>C

Gene: MLH3 (mutL homolog 3; minus strand). Cytogenetic location: 14q24.3.
Variant type: single nucleotide variant.
Coding change: c.4090+2T>C on transcript NM_001040108.2 (MANE Select); the canonical splice donor site of the intron after coding-DNA position 4090, T replaced by C.
Molecular consequence: splice donor variant.
Genome position (GRCh38, 1-based): chr14:75,022,812, A>G on the plus strand (T>C on the coding strand, the complement: MLH3 is on the minus strand). VCF-style: chr14-75022812-A-G. GRCh37 (hg19) VCF-style: chr14-75489515-A-G.
Other names: c.4018+2T>C (NM_014381.3).
Identifiers: ClinVar variation 935610 (VCV000935610.11), dbSNP rs1890375980, ClinGen allele CA390420571.